The following is an entry in ClinVar:

ClinVar aggregate classification (germline): Uncertain significance. Review status: criteria provided, single submitter (1 of 4 stars). 2 submissions from 2 submitters: Uncertain significance (1). 1 of the submissions does not count toward it. Last evaluated 2025-09-29.

Conditions:
Parkinson disease 17 (PARK17). Also called: VPS35-Related Parkinson Disease. Identifiers: Orphanet 411602, MedGen C3280133, MONDO:0013625, OMIM 614203.

Allele frequency attached by ClinVar (database versions not stated): gnomAD 0.00003 and 0.00002; gnomAD exomes 0.00006; ExAC 0.00006; TOPMed 0.00005.
gnomAD v4.1: 92 of 1,604,274 alleles (0.0057%); highest among the groups gnomAD compares: Middle Eastern, 0.033%; no homozygotes.

Submissions (2):

Labcorp Genetics (formerly Invitae), Labcorp
Classification: Uncertain significance for Parkinson disease 17. Last evaluated: 2025-09-29. Review status: criteria provided, single submitter. Criteria: Invitae Variant Classification Sherloc (09022015). Collection method: clinical testing. Allele origin: germline.
Comment: This sequence change replaces alanine, which is neutral and non-polar, with valine, which is neutral and non-polar, at codon 737 of the VPS35 protein (p.Ala737Val). This variant is present in population databases (rs749516404, gnomAD 0.02%). This missense change has been observed in individual(s) with Parkinson disease (PMID: 21763482, 32613234, 37256495, 37750340). ClinVar contains an entry for this variant (Variation ID: 487677). An algorithm developed to predict the effect of missense changes on protein structure and function (PolyPhen-2) suggests that this variant is likely to be tolerated. In summary, the available evidence is currently insufficient to determine the role of this variant in disease. Therefore, it has been classified as a Variant of Uncertain Significance.

GeneReviews
No classification provided. Condition: Parkinson disease 17. Review status: no classification provided. Collection method: literature only. Allele origin: germline. Not counted in ClinVar's aggregate classification.

Literature cited by the submitters: PubMed 21763482 (cited by Labcorp Genetics (formerly Invitae), Labcorp); PubMed 32613234 (cited by Labcorp Genetics (formerly Invitae), Labcorp); PubMed 37256495 (cited by Labcorp Genetics (formerly Invitae), Labcorp); PubMed 37750340 (cited by Labcorp Genetics (formerly Invitae), Labcorp); NCBI Bookshelf NBK447258 (cited by GeneReviews); PubMed 28796472 (cited by GeneReviews).

NM_018206.6(VPS35):c.2210C>T (p.Ala737Val)

Gene: VPS35 (VPS35 retromer complex component; minus strand). Cytogenetic location: 16q11.2.
Variant type: single nucleotide variant.
Coding change: c.2210C>T on transcript NM_018206.6 (MANE Select); coding-DNA position 2210, C replaced by T.
Protein change: p.Ala737Val; replaces alanine 737 with valine.
Molecular consequence: missense variant.
Genome position (GRCh38, 1-based): chr16:46,661,719, G>A on the plus strand (C>T on the coding strand, the complement: VPS35 is on the minus strand). VCF-style: chr16-46661719-G-A. GRCh37 (hg19) VCF-style: chr16-46695631-G-A.
Other names: short protein forms A737V.
Identifiers: ClinVar variation 487677 (VCV000487677.9), dbSNP rs749516404, ClinGen allele CA8036636.
Genomic context (GRCh38, chr16:46,661,719, plus strand): 5'-TCCTAAGAGTAGGAAGGGAAAATATTAGTTTATTAACAACACTTTACTAATTCACTTACC[G>A]CATCATTTTCCTTTTCATAAAAATAGATATATCTGTTCAGAATTTCTATAAAAAGCTGCA-3'
Protein context (NP_060676.2, residues 727-747): YIYFYEKEND[Ala737Val]VTIQVLNQLI